The following is an entry in ClinVar:

NM_144687.4(NLRP12):c.1351C>T (p.Arg451Cys)

Gene: NLRP12 (NLR family pyrin domain containing 12; minus strand). Cytogenetic location: 19q13.42.
Variant type: single nucleotide variant.
Coding change: c.1351C>T on transcript NM_144687.4 (MANE Select); coding-DNA position 1351, C replaced by T.
Protein change: p.Arg451Cys; replaces arginine 451 with cysteine.
Molecular consequence: missense variant.
Genome position (GRCh38, 1-based): chr19:53,810,308, G>A on the plus strand (C>T on the coding strand, the complement: NLRP12 is on the minus strand). VCF-style: chr19-53810308-G-A. GRCh37 (hg19) VCF-style: chr19-54313562-G-A.
Other names: c.1351C>T, p.Arg451Cys (NM_001277126.2, NM_001277129.1); short protein forms R451C.
Identifiers: ClinVar variation 536934 (VCV000536934.9), dbSNP rs769847348, ClinGen allele CA9639443.

ClinVar aggregate classification (germline): Uncertain significance (1 of 4 stars; one submission).

Conditions:
Familial cold autoinflammatory syndrome 2 (FCAS2). Identifiers: Orphanet 247868, MedGen C2673198, MONDO:0012724, OMIM 611762.

Allele frequency attached by ClinVar (database versions not stated): gnomAD 0.00001; gnomAD exomes 0.00001 and 0.00002; TOPMed 0.00002; ExAC 0.00005.
gnomAD v4.1: 20 of 1,613,694 alleles (0.0012%); highest among the groups gnomAD compares: Non-Finnish European, 0.0017%; no homozygotes.

Submission:

Labcorp Genetics (formerly Invitae), Labcorp
Classification: Uncertain significance for Familial cold autoinflammatory syndrome 2. Last evaluated: 2022-09-01. Review status: criteria provided, single submitter. Criteria: Invitae Variant Classification Sherloc (09022015). Collection method: clinical testing. Allele origin: germline.
Comment: Algorithms developed to predict the effect of missense changes on protein structure and function (SIFT, PolyPhen-2, Align-GVGD) all suggest that this variant is likely to be tolerated. In summary, the available evidence is currently insufficient to determine the role of this variant in disease. Therefore, it has been classified as a Variant of Uncertain Significance. ClinVar contains an entry for this variant (Variation ID: 536934). This variant has not been reported in the literature in individuals affected with NLRP12-related conditions. This variant is present in population databases (rs769847348, gnomAD 0.004%). This sequence change replaces arginine, which is basic and polar, with cysteine, which is neutral and slightly polar, at codon 451 of the NLRP12 protein (p.Arg451Cys).